The following is an entry in ClinVar:

NM_001365103.2(ERFL):c.708G>C (p.Thr236=)

Genes: ARHGEF1 (Rho guanine nucleotide exchange factor 1; plus strand), ERFL (ETS repressor factor like; minus strand). Cytogenetic location: 19q13.2.
Variant type: single nucleotide variant.
Coding change: c.708G>C on transcript NM_001365103.2 (MANE Select); coding-DNA position 708, G replaced by C.
Protein change: p.Thr236=; no amino-acid change (threonine 236 retained).
Molecular consequence: synonymous variant. On other transcripts: intron variant (2).
Genome position (GRCh38, 1-based): chr19:41,908,585, C>G on the plus strand (G>C on the coding strand, the complement: ERFL is on the minus strand). VCF-style: chr19-41908585-C-G. GRCh37 (hg19) VCF-style: chr19-42412737-C-G.
Other names: c.2493+1782C>G (NM_001396002.1); c.2592+1782C>G (NM_001396003.1).
Identifiers: ClinVar variation 3770835 (VCV003770835.13).

ClinVar aggregate classification (germline): Likely benign (1 of 4 stars; one submission).

gnomAD v4.1: 4,207 of 1,231,698 alleles (0.34%); highest among the groups gnomAD compares: Non-Finnish European, 0.41%; 9 homozygotes.

Submission:

CeGaT Center for Human Genetics Tuebingen
Classification: Likely benign. Last evaluated: 2026-04-01. Review status: criteria provided, single submitter. Criteria: CeGaT Center For Human Genetics Tuebingen Variant Classification Criteria Version 2. Collection method: clinical testing. Allele origin: germline. Affected: yes. Observed: 3 variant alleles.
Comment: ERFL: BP4, BP7